The following is an entry in ClinVar:

ClinVar aggregate classification (germline): Benign/Likely benign. Review status: criteria provided, multiple submitters, no conflicts (2 of 4 stars). 23 submissions from 20 submitters: Benign (15); Likely benign (6). 2 of the submissions do not count toward it. Last evaluated 2026-06-01.

Conditions:
Familial medullary thyroid carcinoma (MTC). Also called: Thyroid cancer, familial medullary; MTC, familial; Familial Medullary Thyroid Carcinoma (FMTC). Identifiers: Orphanet 653, Orphanet 99361, MedGen C1833921, MONDO:0007958, OMIM 155240.
Hirschsprung disease, susceptibility to, 1 (HSCR1). Also called: RET-Related Hirschsprung Disease. Identifiers: Orphanet 388, MedGen C3888239, MONDO:0007723, OMIM 142623.
Multiple endocrine neoplasia type 2B. Also called: MULTIPLE ENDOCRINE NEOPLASIA, TYPE IIB; Multiple endocrine neoplasia, type 3; MEN 2B; Multiple Endocrine Neoplasia Type 2B (MEN2B); MUCOSAL NEUROMA SYNDROME; MEN IIB. Identifiers: Orphanet 247709, Orphanet 653, MedGen C0025269, MeSH D018814, MONDO:0008082, OMIM 162300.
Multiple endocrine neoplasia type 2A. Also called: Multiple Endocrine Neoplasia Type 2A (MEN2A); MULTIPLE ENDOCRINE NEOPLASIA, TYPE IIA; PTC SYNDROME; SIPPLE SYNDROME; MEN 2A; MEN-2A syndrome. Identifiers: Orphanet 247698, Orphanet 653, MedGen C0025268, MeSH D018813, MONDO:0008234, OMIM 171400.
Pheochromocytoma. Also called: MAX-Related Hereditary Paraganglioma-Pheochromocytoma Syndrome. Identifiers: Orphanet 29072, MedGen C0031511, MONDO:0008233, OMIM 171300, HP:0002666.
Hereditary cancer-predisposing syndrome. Also called: Neoplastic Syndromes, Hereditary; Hereditary neoplastic syndrome; Hereditary Cancer Syndrome; Tumor predisposition. Identifiers: Orphanet 140162, MedGen C0027672, MeSH D009386, MONDO:0015356.
Multiple endocrine neoplasia. Identifiers: Orphanet 276161, MedGen C0027662, MONDO:0017169.
Multiple endocrine neoplasia, type 2 (MEN2). Identifiers: Orphanet 653, MedGen C4048306, MONDO:0019003. Disease mechanism: gain of function.
Renal hypodysplasia/aplasia 1 (RHDA1). Also called: HEREDITARY RENAL APLASIA; RENAL APLASIA. Identifiers: Orphanet 411709, MedGen C1619700, MONDO:0024519, OMIM 191830.

Allele frequency attached by ClinVar (database versions not stated): gnomAD 0.00086 and 0.00056; TOPMed 0.00124; ExAC 0.00210; 1000 Genomes Project 0.00399; gnomAD exomes 0.00224 and 0.00066; 1000 Genomes Project 30x 0.00375.
gnomAD v4.1: 1,119 of 1,612,876 alleles (0.069%); highest among the groups gnomAD compares: East Asian, 2.1%; 14 homozygotes.

Submissions (23):

CeGaT Center for Human Genetics Tuebingen
Classification: Benign. Last evaluated: 2026-06-01. Review status: criteria provided, single submitter. Criteria: CeGaT Center For Human Genetics Tuebingen Variant Classification Criteria Version 2. Collection method: clinical testing. Allele origin: germline. Affected: yes. Observed: 7 variant alleles.
Comment: RET: BP4, BS1, BS2

Labcorp Genetics (formerly Invitae), Labcorp
Classification: Benign for Multiple endocrine neoplasia, type 2. Last evaluated: 2026-02-03. Review status: criteria provided, single submitter. Criteria: Invitae Variant Classification Sherloc (09022015). Collection method: clinical testing. Allele origin: germline.

Women's Health and Genetics/Laboratory Corporation of America, LabCorp
Classification: Likely benign. Last evaluated: 2025-09-18. Review status: criteria provided, single submitter. Criteria: LabCorp Variant Classification Summary - May 2015. Collection method: clinical testing. Allele origin: germline.

Center for Genomic Medicine, Rigshospitalet, Copenhagen University Hospital
Classification: Benign. Last evaluated: 2025-03-04. Review status: criteria provided, single submitter. Criteria: ACMG Guidelines, 2015. Collection method: clinical testing. Allele origin: germline.

Blueprint Genetics
Classification: Likely benign. Last evaluated: 2024-11-20. Review status: criteria provided, single submitter. Criteria: ACMG Guidelines, 2015. Collection method: clinical testing. Allele origin: germline.

Mayo Clinic Laboratories, Mayo Clinic
Classification: Likely benign. Last evaluated: 2024-06-21. Review status: criteria provided, single submitter. Criteria: ACMG Guidelines, 2015. Collection method: clinical testing. Allele origin: germline. Observed: 4 variant alleles.
Comment: BS1, BP2, BP4

ARUP Laboratories, Molecular Genetics and Genomics, ARUP Laboratories
Classification: Benign. Last evaluated: 2024-01-24. Review status: criteria provided, single submitter. Criteria: ARUP Molecular Germline Variant Investigation Process 2024. Collection method: clinical testing. Allele origin: germline.

Department of Pathology and Laboratory Medicine, Sinai Health System
Classification: Benign for Hirschsprung disease, susceptibility to, 1; Familial medullary thyroid carcinoma; Multiple endocrine neoplasia type 2B; Pheochromocytoma; Multiple endocrine neoplasia type 2A. Last evaluated: 2023-03-07. Review status: criteria provided, single submitter. Criteria: ACMG Guidelines, 2015. Collection method: clinical testing. Allele origin: germline. Affected: yes.

Color Diagnostics, LLC DBA Color Health
Classification: Benign for Multiple endocrine neoplasia, type 2. Last evaluated: 2022-09-20. Review status: criteria provided, single submitter. Criteria: ACMG Guidelines, 2015. Collection method: clinical testing. Allele origin: germline.

Quest Diagnostics Nichols Institute San Juan Capistrano
Classification: Benign. Last evaluated: 2022-08-28. Review status: criteria provided, single submitter. Criteria: Quest Diagnostics criteria. Collection method: clinical testing. Allele origin: unknown.
Comment: The frequency of this variant in the general population is higher than would generally be expected for pathogenic variants in this gene. Computational tools predict this amino acid change may be benign.

Sema4
Classification: Benign for Hereditary cancer-predisposing syndrome. Last evaluated: 2021-05-18. Review status: criteria provided, single submitter. Criteria: Sema4 Curation Guidelines. Collection method: curation. Allele origin: germline.

GeneDx
Classification: Benign. Last evaluated: 2020-04-23. Review status: criteria provided, single submitter. Criteria: GeneDx Variant Classification Process June 2021. Collection method: clinical testing. Allele origin: germline. Affected: yes.
Comment: This variant is associated with the following publications: (PMID: 24845513, 24728327, 17009072, 20981092, 26152202, 21251878, 25122427, 22703879, 24618965, 22174939, 22640420, 19443294, 27153395, 26332594, 22377709, 29192238, 28775167, 31180159)

Mendelics
Classification: Benign for Multiple endocrine neoplasia type 2A. Last evaluated: 2019-05-28. Review status: criteria provided, single submitter. Criteria: Mendelics Assertion Criteria 2017. Collection method: clinical testing. Allele origin: unknown.

Illumina Laboratory Services, Illumina
Classification: Benign for Hirschsprung disease, susceptibility to, 1. Last evaluated: 2018-03-06. Review status: criteria provided, single submitter. Criteria: ICSL Variant Classification Criteria 13 December 2019. Collection method: clinical testing. Allele origin: germline.
Comment: This variant was observed in the ICSL laboratory as part of a predisposition screen in an ostensibly healthy population. It had not been previously curated by ICSL or reported in the Human Gene Mutation Database (HGMD: prior to June 1st, 2018), and was therefore a candidate for classification through an automated scoring system. Utilizing variant allele frequency, disease prevalence and penetrance estimates, and inheritance mode, an automated score was calculated to assess if this variant is too frequent to cause the disease. Based on the score and internal cut-off values, a variant classified as benign is not then subjected to further curation. The score for this variant resulted in a classification of benign for this disease.

Illumina Laboratory Services, Illumina
Classification: Benign for Pheochromocytoma. Last evaluated: 2018-03-06. Review status: criteria provided, single submitter. Criteria: ICSL Variant Classification Criteria 13 December 2019. Collection method: clinical testing. Allele origin: germline.
Comment: the same text as in the submission from Illumina Laboratory Services, Illumina above.

Illumina Laboratory Services, Illumina
Classification: Likely benign for Renal hypodysplasia/aplasia 1. Last evaluated: 2018-03-06. Review status: criteria provided, single submitter. Criteria: ICSL Variant Classification Criteria 13 December 2019. Collection method: clinical testing. Allele origin: germline.
Comment: This variant was observed in the ICSL laboratory as part of a predisposition screen in an ostensibly healthy population. It had not been previously curated by ICSL or reported in the Human Gene Mutation Database (HGMD: prior to June 1st, 2018), and was therefore a candidate for classification through an automated scoring system. Utilizing variant allele frequency, disease prevalence and penetrance estimates, and inheritance mode, an automated score was calculated to assess if this variant is too frequent to cause the disease. Based on the score and internal cut-off values, a variant classified as likely benign is not then subjected to further curation. The score for this variant resulted in a classification of likely benign for this disease.

Illumina Laboratory Services, Illumina
Classification: Benign for Multiple endocrine neoplasia. Last evaluated: 2018-03-06. Review status: criteria provided, single submitter. Criteria: ICSL Variant Classification Criteria 13 December 2019. Collection method: clinical testing. Allele origin: germline.
Comment: the same text as in the submission from Illumina Laboratory Services, Illumina above.

PreventionGenetics, part of Exact Sciences
Classification: Benign. Last evaluated: 2017-10-13. Review status: criteria provided, single submitter. Criteria: ACMG Guidelines, 2015. Collection method: clinical testing. Allele origin: germline.

Ambry Genetics
Classification: Benign for Hereditary cancer-predisposing syndrome. Last evaluated: 2017-06-27. Review status: criteria provided, single submitter. Criteria: Ambry Variant Classification Scheme 2023. Collection method: clinical testing. Allele origin: germline.

Laboratory for Molecular Medicine, Mass General Brigham Personalized Medicine
Classification: Likely benign. Last evaluated: 2016-04-25. Review status: criteria provided, single submitter. Criteria: LMM Criteria. Collection method: clinical testing. Allele origin: germline.
Comment: Variant identified in a genome or exome case(s) and assessed due to predicted null impact of the variant or pathogenic assertions in the literature or databases. Disclaimer: This variant has not undergone full assessment. The following are preliminary notes: 2.7% East Asian population ExAC, LB by Ambry 2014

Soonchunhyang University Bucheon Hospital, Soonchunhyang University Medical Center
Classification: Likely benign for Hirschsprung disease, susceptibility to, 1. Last evaluated: 2016-03-18. Review status: criteria provided, single submitter. Criteria: ACMG Guidelines, 2015. Collection method: reference population. Allele origin: germline. Observed: 4 variant alleles.

ITMI
No classification provided. Condition: AllHighlyPenetrant. Last evaluated: 2013-09-19. Review status: no classification provided. Collection method: reference population. Allele origin: germline. Not counted in ClinVar's aggregate classification.
Comment: Please see associated publication for description of ethnicities

Biesecker Lab/Clinical Genomics Section, National Institutes of Health
Classification: Uncertain significance. Last evaluated: 2012-07-13. Review status: no assertion criteria provided. Collection method: research. Allele origin: germline. Affected: no. Observed: 2 variant alleles. Study: ClinSeq. Not counted in ClinVar's aggregate classification.
ClinVar note: Converted during submission from variant of unknown significance to Uncertain significance.

Literature cited by the submitters: PubMed 35586626 (cited by Mayo Clinic Laboratories, Mayo Clinic); PubMed 17009072 (cited by Soonchunhyang University Bucheon Hospital, Soonchunhyang University Medical Center); PubMed 24728327 (cited by ITMI).

NM_020975.6(RET):c.833C>A (p.Thr278Asn)

Gene: RET (ret proto-oncogene; plus strand). Cytogenetic location: 10q11.21.
Variant type: single nucleotide variant.
Coding change: c.833C>A on transcript NM_020975.6 (MANE Select); coding-DNA position 833, C replaced by A.
Protein change: p.Thr278Asn; replaces threonine 278 with asparagine.
Molecular consequence: missense variant.
Genome position (GRCh38, 1-based): chr10:43,105,159, C>A. VCF-style: chr10-43105159-C-A. GRCh37 (hg19) VCF-style: chr10-43600607-C-A.
Other names: c.833C>A, p.Thr278Asn (NM_000323.2, NM_001406743.1, NM_001406744.1 and 8 more transcripts); c.71C>A, p.Thr24Asn (NM_001355216.2); c.704C>A, p.Thr235Asn (NM_001406761.1, NM_001406762.1, NM_001406764.1 and 2 more transcripts); c.545C>A, p.Thr182Asn (NM_001406766.1, NM_001406767.1, NM_001406770.1); short protein forms T278N, T24N, T235N, T182N.
Identifiers: ClinVar variation 41846 (VCV000041846.61), dbSNP rs35118262, ClinGen allele CA009353.